The following is an entry in ClinVar:

ClinVar aggregate classification (germline): Pathogenic (1 of 4 stars; one submission).

gnomAD v4.1: 2 of 1,613,598 alleles (0.00012%); highest among the groups gnomAD compares: Non-Finnish European, 0.00017%; no homozygotes.

Submission:

Labcorp Genetics (formerly Invitae), Labcorp
Classification: Pathogenic. Last evaluated: 2024-12-31. Review status: criteria provided, single submitter. Criteria: Invitae Variant Classification Sherloc (09022015). Collection method: clinical testing. Allele origin: germline.
Comment: This sequence change creates a premature translational stop signal (p.Gln153*) in the C1QBP gene. It is expected to result in an absent or disrupted protein product. Loss-of-function variants in C1QBP are known to be pathogenic (PMID: 28498888, 28942965). This variant is not present in population databases (gnomAD no frequency). This variant has not been reported in the literature in individuals affected with C1QBP-related conditions. For these reasons, this variant has been classified as Pathogenic.

Literature cited by the submitters: PubMed 28498888; PubMed 28942965.

NM_001212.4(C1QBP):c.457C>T (p.Gln153Ter)

Gene: C1QBP (complement C1q binding protein; minus strand). Cytogenetic location: 17p13.2.
Variant type: single nucleotide variant.
Coding change: c.457C>T on transcript NM_001212.4 (MANE Select); coding-DNA position 457, C replaced by T.
Protein change: p.Gln153Ter; replaces glutamine 153 with a stop codon.
Molecular consequence: nonsense.
Genome position (GRCh38, 1-based): chr17:5,434,893, G>A on the plus strand (C>T on the coding strand, the complement: C1QBP is on the minus strand). VCF-style: chr17-5434893-G-A. GRCh37 (hg19) VCF-style: chr17-5338213-G-A.
Other names: short protein forms Q153*.
Identifiers: ClinVar variation 3728322 (VCV003728322.2).